The following is an entry in ClinVar:

ClinVar aggregate classification (germline): Uncertain significance. Review status: criteria provided, multiple submitters, no conflicts (2 of 4 stars). 2 submissions from 2 submitters: Uncertain significance (2). Last evaluated 2023-02-06.

Conditions:
Dilated cardiomyopathy 1W (CMD1W). Identifiers: Orphanet 154, MedGen C1969639, MONDO:0012667, OMIM 611407.

Allele frequency attached by ClinVar (database versions not stated): gnomAD exomes below 0.00001.
gnomAD v4.1: 1 of 1,613,272 alleles (0.000062%); highest among the groups gnomAD compares: Non-Finnish European, 0.000085%; no homozygotes.

Submissions (2):

GeneDx
Classification: Uncertain significance. Last evaluated: 2023-02-06. Review status: criteria provided, single submitter. Criteria: GeneDx Variant Classification Process June 2021. Collection method: clinical testing. Allele origin: germline. Affected: yes.
Comment: Has not been previously published as pathogenic or benign to our knowledge; Not observed at significant frequency in large population cohorts (gnomAD); In silico analysis supports that this missense variant does not alter protein structure/function

Labcorp Genetics (formerly Invitae), Labcorp
Classification: Uncertain significance for Dilated cardiomyopathy 1W. Last evaluated: 2022-05-09. Review status: criteria provided, single submitter. Criteria: Invitae Variant Classification Sherloc (09022015). Collection method: clinical testing. Allele origin: germline.
Comment: In summary, the available evidence is currently insufficient to determine the role of this variant in disease. Therefore, it has been classified as a Variant of Uncertain Significance. Algorithms developed to predict the effect of missense changes on protein structure and function are either unavailable or do not agree on the potential impact of this missense change (SIFT: "Not Available"; PolyPhen-2: "Probably Damaging"; Align-GVGD: "Not Available"). This variant has not been reported in the literature in individuals affected with VCL-related conditions. This variant is not present in population databases (gnomAD no frequency). This sequence change replaces lysine, which is basic and polar, with glutamic acid, which is acidic and polar, at codon 216 of the VCL protein (p.Lys216Glu).

NM_014000.3(VCL):c.646A>G (p.Lys216Glu)

Gene: VCL (vinculin; plus strand). Cytogenetic location: 10q22.2.
Variant type: single nucleotide variant.
Coding change: c.646A>G on transcript NM_014000.3 (MANE Select); coding-DNA position 646, A replaced by G.
Protein change: p.Lys216Glu; replaces lysine 216 with glutamic acid.
Molecular consequence: missense variant.
Genome position (GRCh38, 1-based): chr10:74,074,766, A>G. VCF-style: chr10-74074766-A-G. GRCh37 (hg19) VCF-style: chr10-75834524-A-G.
Other names: c.646A>G, p.Lys216Glu (NM_003373.4); short protein forms K216E.
Identifiers: ClinVar variation 2135823 (VCV002135823.5), dbSNP rs2549214736, ClinGen allele CA377268244.